The following is an entry in ClinVar:

NM_004360.5(CDH1):c.384T>G (p.His128Gln)

Gene: CDH1 (cadherin 1; plus strand). Cytogenetic location: 16q22.1.
Variant type: single nucleotide variant.
Coding change: c.384T>G on transcript NM_004360.5 (MANE Select); coding-DNA position 384, T replaced by G.
Protein change: p.His128Gln; replaces histidine 128 with glutamine.
Molecular consequence: missense variant. On other transcripts: 5 prime UTR variant (2).
Genome position (GRCh38, 1-based): chr16:68,801,890, T>G. VCF-style: chr16-68801890-T-G. GRCh37 (hg19) VCF-style: chr16-68835793-T-G.
Other names: c.384T>G, p.His128Gln (NM_001317184.2); c.-1232T>G (NM_001317185.2); c.-1436T>G (NM_001317186.2); short protein forms H128Q.
Identifiers: ClinVar variation 2453340 (VCV002453340.2), dbSNP rs2152127075, ClinGen allele CA396457499.

ClinVar aggregate classification (germline): Uncertain significance (1 of 4 stars; one submission).

Conditions:
Hereditary cancer-predisposing syndrome. Also called: Neoplastic Syndromes, Hereditary; Tumor predisposition; Hereditary neoplastic syndrome; Hereditary Cancer Syndrome. Identifiers: Orphanet 140162, MedGen C0027672, MeSH D009386, MONDO:0015356.

Submission:

Ambry Genetics
Classification: Uncertain significance for Hereditary cancer-predisposing syndrome. Last evaluated: 2023-03-07. Review status: criteria provided, single submitter. Criteria: Ambry Variant Classification Scheme 2023. Collection method: clinical testing. Allele origin: germline.
Comment: The p.H128Q variant (also known as c.384T>G), located in coding exon 3 of the CDH1 gene, results from a T to G substitution at nucleotide position 384. The histidine at codon 128 is replaced by glutamine, an amino acid with highly similar properties. This amino acid position is conserved. In addition, this alteration is predicted to be tolerated by in silico analysis. Since supporting evidence is limited at this time, the clinical significance of this alteration remains unclear.